The following is an entry in ClinVar:

NM_183050.4(BCKDHB):c.329_330delinsAA (p.Leu110Ter)

Gene: BCKDHB (branched chain keto acid dehydrogenase E1 subunit beta; plus strand). Cytogenetic location: 6q14.1.
Variant type: Indel.
Coding change: c.329_330delinsAA on transcript NM_183050.4 (MANE Select); coding-DNA positions 329 to 330, TG replaced by AA.
Protein change: p.Leu110Ter; replaces leucine 110 with a stop codon.
Molecular consequence: nonsense. On other transcripts: non-coding transcript variant (1).
Genome position (GRCh38, 1-based): chr6:80,129,215-80,129,216, TG replaced by AA. VCF-style: chr6-80129215-TG-AA. GRCh37 (hg19) VCF-style: chr6-80838932-TG-AA.
Other names: c.329_330delinsAA, p.Leu110Ter (NM_000056.5); c.119_120delinsAA, p.Leu40Ter (NM_001318975.1); c.329_330delinsAA (NM_183050.3); short protein forms L110*, L40*.
Identifiers: ClinVar variation 1319976 (VCV001319976.9), dbSNP rs2127727924, ClinGen allele CA2573052749.

ClinVar aggregate classification (germline): Pathogenic/Likely pathogenic. Review status: criteria provided, multiple submitters, no conflicts (2 of 4 stars). 3 submissions from 3 submitters: Pathogenic (1); Likely pathogenic (2). Last evaluated 2025-06-23.

Conditions:
Maple syrup urine disease (MSUD). Identifiers: Orphanet 511, MedGen C0024776, MeSH D008375, MONDO:0009563. Disease mechanism: loss of function.

Submissions (3):

Labcorp Genetics (formerly Invitae), Labcorp
Classification: Pathogenic for Maple syrup urine disease. Last evaluated: 2025-06-23. Review status: criteria provided, single submitter. Criteria: Invitae Variant Classification Sherloc (09022015). Collection method: clinical testing. Allele origin: germline.
Comment: This sequence change creates a premature translational stop signal (p.Leu110*) in the BCKDHB gene. It is expected to result in an absent or disrupted protein product. Loss-of-function variants in BCKDHB are known to be pathogenic (PMID: 16786533, 22593002). Information on the frequency of this variant in the gnomAD database is not available, as this variant may be reported differently in the database. This premature translational stop signal has been observed in individual(s) with maple syrup urine disease (internal data). ClinVar contains an entry for this variant (Variation ID: 1319976). For these reasons, this variant has been classified as Pathogenic.

Baylor Genetics
Classification: Likely pathogenic for Maple syrup urine disease type 1A. Last evaluated: 2023-07-24. Review status: criteria provided, single submitter. Criteria: ACMG Guidelines, 2015. Collection method: clinical testing. Allele origin: unknown.

GeneID Lab - Advanced Molecular Diagnostics
Classification: Likely pathogenic for Maple syrup urine disease. Last evaluated: 2019-07-03. Review status: criteria provided, single submitter. Criteria: ACMG Guidelines, 2015. Collection method: clinical testing. Allele origin: germline. Affected: no. Observed: 1 variant allele.
Comment: This variant creates a premature translational stop signal (p.Leu110Ter) in the BCKDHB gene. It is expected to result in an absent or disrupted protein product. This variant is not present in the gnomAD database and it has not been reported previously in the ClinVar Database (NCBI National Library of Medicine, NIH, Bethesda MD). Loss-of-function variants in BCKDHB are known to be pathogenic (PMID: 16786533, 22593002). For these reasons, this variant has been classified as a "likely pathogenic" finding.

Literature cited by the submitters: PubMed 16786533 (cited by Labcorp Genetics (formerly Invitae), Labcorp and GeneID Lab - Advanced Molecular Diagnostics); PubMed 22593002 (cited by Labcorp Genetics (formerly Invitae), Labcorp and GeneID Lab - Advanced Molecular Diagnostics).